The following is an entry in ClinVar:

ClinVar aggregate classification (germline): Uncertain significance (1 of 4 stars; one submission).

Conditions:
Familial acute necrotizing encephalopathy (IIAE3). Also called: Susceptibility to Acute Necrotizing Encephalopathy 1; ENCEPHALOPATHY, ACUTE, INFECTION-INDUCED, SUSCEPTIBILITY TO, 3. Identifiers: Orphanet 88619, MedGen C2675556, MONDO:0011953, OMIM 608033.

Submission:

Labcorp Genetics (formerly Invitae), Labcorp
Classification: Uncertain significance for Familial acute necrotizing encephalopathy. Last evaluated: 2020-01-18. Review status: criteria provided, single submitter. Criteria: Invitae Variant Classification Sherloc (09022015). Collection method: clinical testing. Allele origin: germline.
Comment: This variant is not present in population databases (ExAC no frequency). In summary, the available evidence is currently insufficient to determine the role of this variant in disease. Therefore, it has been classified as a Variant of Uncertain Significance. The current clinical and genetic evidence is not sufficient to establish whether loss-of-function variants in RANBP2 cause disease. Algorithms developed to predict the effect of sequence changes on RNA splicing suggest that this variant may disrupt the consensus splice site, but this prediction has not been confirmed by published transcriptional studies. This variant has not been reported in the literature in individuals with RANBP2-related conditions. This sequence change affects an acceptor splice site in intron 11 of the RANBP2 gene. It is expected to disrupt RNA splicing and likely results in an absent or disrupted protein product.

NM_006267.5(RANBP2):c.1632-10_1632-1delinsAATTTTTAT

Gene: RANBP2 (RAN binding protein 2; plus strand). Cytogenetic location: 2q13.
Variant type: Indel.
Coding change: c.1632-10_1632-1delinsAATTTTTAT on transcript NM_006267.5 (MANE Select); 10 bases into the intron before coding-DNA position 1632 through the canonical splice acceptor site of the intron before coding-DNA position 1632, TATTTTTTAG replaced by AATTTTTAT.
Molecular consequence: splice acceptor variant.
Genome position (GRCh38, 1-based): chr2:108,751,861-108,751,870, TATTTTTTAG replaced by AATTTTTAT. VCF-style: chr2-108751861-TATTTTTTAG-AATTTTTAT. GRCh37 (hg19) VCF-style: chr2-109368317-TATTTTTTAG-AATTTTTAT.
Identifiers: ClinVar variation 469428 (VCV000469428.7), dbSNP rs1553489293, ClinGen allele CA658657051.
Genomic context (GRCh38, chr2:108,751,861, plus strand): 5'-AACATATATGTATGTAAGCCCTGAACTGTGTATTTAGAAAGCAATTTTAGTAAATTGAAC[TATTTTTTAG>AATTTTTAT]ACCTGGAAACGTAGCAAAATTGAGACTTCTAGTTCAGCATGAAATAAACACTCTAAGAGC-3'